The following is an entry in ClinVar:

ClinVar aggregate classification (germline): Uncertain significance. Review status: criteria provided, multiple submitters, no conflicts (2 of 4 stars). 2 submissions from 2 submitters: Uncertain significance (2). Last evaluated 2024-04-16.

Conditions:
Hereditary cancer-predisposing syndrome. Also called: Hereditary neoplastic syndrome; Neoplastic Syndromes, Hereditary; Tumor predisposition; Hereditary Cancer Syndrome. Identifiers: Orphanet 140162, MedGen C0027672, MeSH D009386, MONDO:0015356.
Familial adenomatous polyposis 1 (FAP1). Also called: FAMILIAL ADENOMATOUS POLYPOSIS 1, ATTENUATED; POLYPOSIS, ADENOMATOUS INTESTINAL. Identifiers: MedGen C2713442, MONDO:0021056, OMIM 175100. Disease mechanism: loss of function.

Allele frequency attached by ClinVar (database versions not stated): gnomAD exomes below 0.00001.
gnomAD v4.1: 4 of 1,614,180 alleles (0.00025%); highest among the groups gnomAD compares: Non-Finnish European, 0.00034%; no homozygotes.

Submissions (2):

Ambry Genetics
Classification: Uncertain significance for Hereditary cancer-predisposing syndrome. Last evaluated: 2024-04-16. Review status: criteria provided, single submitter. Criteria: Ambry Variant Classification Scheme 2023. Collection method: clinical testing. Allele origin: germline.
Comment: The p.T829I variant (also known as c.2486C>T), located in coding exon 15 of the APC gene, results from a C to T substitution at nucleotide position 2486. The threonine at codon 829 is replaced by isoleucine, an amino acid with similar properties. This alteration was identified in an individual diagnosed with serrated polyposis syndrome (Murphy A et al. J Gastroenterol Hepatol, 2022 May;37:861-869). This amino acid position is highly conserved in available vertebrate species. In addition, in silico predictors for this gene do not accurately predict pathogenicity. Based on the available evidence, the clinical significance of this variant remains unclear.

Labcorp Genetics (formerly Invitae), Labcorp
Classification: Uncertain significance for Familial adenomatous polyposis 1. Last evaluated: 2020-06-01. Review status: criteria provided, single submitter. Criteria: Invitae Variant Classification Sherloc (09022015). Collection method: clinical testing. Allele origin: germline.
Comment: This sequence change replaces threonine with isoleucine at codon 829 of the APC protein (p.Thr829Ile). The threonine residue is highly conserved and there is a moderate physicochemical difference between threonine and isoleucine. This variant is not present in population databases (ExAC no frequency). This variant has not been reported in the literature in individuals with APC-related conditions. Algorithms developed to predict the effect of missense changes on protein structure and function are either unavailable or do not agree on the potential impact of this missense change (SIFT: "Deleterious"; PolyPhen-2: "Benign"; Align-GVGD: "Class C0"). In summary, the available evidence is currently insufficient to determine the role of this variant in disease. Therefore, it has been classified as a Variant of Uncertain Significance.

Literature cited by the submitters: PubMed 35128723 (cited by Ambry Genetics).

NM_000038.6(APC):c.2486C>T (p.Thr829Ile)

Gene: APC (APC regulator of Wnt signaling pathway; plus strand). Cytogenetic location: 5q22.2.
Variant type: single nucleotide variant.
Coding change: c.2486C>T on transcript NM_000038.6 (MANE Select); coding-DNA position 2486, C replaced by T.
Protein change: p.Thr829Ile; replaces threonine 829 with isoleucine.
Molecular consequence: missense variant.
Genome position (GRCh38, 1-based): chr5:112,838,080, C>T. VCF-style: chr5-112838080-C-T. GRCh37 (hg19) VCF-style: chr5-112173777-C-T.
Other names: c.2486C>T (NM_000038.5); c.2486C>T, p.Thr829Ile (NM_001127510.3, NM_001354895.2); c.2432C>T, p.Thr811Ile (NM_001127511.3); c.2540C>T, p.Thr847Ile (NM_001354896.2); c.2516C>T, p.Thr839Ile (NM_001354897.2); c.2411C>T, p.Thr804Ile (NM_001354898.2); c.2402C>T, p.Thr801Ile (NM_001354899.2); c.2363C>T, p.Thr788Ile (NM_001354900.2); and 6 more; short protein forms T546I, T669I, T703I, T728I, T738I, T770I, T788I, T801I.
Identifiers: ClinVar variation 1004033 (VCV001004033.11), dbSNP rs1765193557, ClinGen allele CA16026789.